The following is an entry in ClinVar:

NM_000051.4(ATM):c.8635_8636del (p.Ile2878_Asn2879insTer)

Genes: ATM (ATM serine/threonine kinase; plus strand), C11orf65 (chromosome 11 open reading frame 65; minus strand). Cytogenetic location: 11q22.3.
Variant type: Deletion.
Coding change: c.8635_8636del on transcript NM_000051.4 (MANE Select); coding-DNA positions 8635 to 8636, 2 bases deleted (AA; older notation c.8635_8636delAA).
Protein change: p.Ile2878_Asn2879insTer.
Molecular consequence: nonsense. On other transcripts: intron variant (2).
Genome position (GRCh38, 1-based): chr11:108,347,329-108,347,330, AA deleted; deleting any 2 consecutive bases within chr11:108,347,328-108,347,330 gives the same sequence; the c. name uses the placement nearest the transcript's 3' end. VCF-style (leftmost placement, unchanged base first): chr11-108347327-TAA-T. GRCh37 (hg19) VCF-style: chr11-108218054-TAA-T.
Other names: c.8635_8636del, p.Ile2878_Asn2879insTer (NM_001351834.2); c.641-38258_641-38257del (NM_001330368.2); c.695-12037_695-12036del (NM_001351110.2).
Identifiers: ClinVar variation 1764116 (VCV001764116.3), dbSNP rs2137082728, ClinGen allele CA2580083471.
Genomic context (GRCh38, chr11:108,347,327, plus strand): 5'-TTTTTTCTCCAGTTGGTTACATACTTGGACTTGGTGATAGACATGTACAGAATATCTTGA[TAA>T]ATGAGCAGTCAGCAGAACTTGTACATATAGATCTAGGTAAGTAATAAAATCTATGTATCT-3'

ClinVar aggregate classification (germline): Pathogenic. Review status: criteria provided, multiple submitters, no conflicts (2 of 4 stars). 2 submissions from 2 submitters: Pathogenic (2). Last evaluated 2023-03-01.

Conditions:
Hereditary cancer-predisposing syndrome. Also called: Hereditary neoplastic syndrome; Neoplastic Syndromes, Hereditary; Tumor predisposition; Hereditary Cancer Syndrome. Identifiers: Orphanet 140162, MedGen C0027672, MeSH D009386, MONDO:0015356.
ATM-related disorder. Also called: ATM-related disorders; ATM-related condition.

Submissions (2):

PreventionGenetics, part of Exact Sciences
Classification: Pathogenic for ATM-related condition. Last evaluated: 2023-03-01. Review status: criteria provided, single submitter. Criteria: ACMG Guidelines, 2015. Collection method: clinical testing. Allele origin: germline.
Comment: The ATM c.8635_8636delAA variant is predicted to result in premature protein termination (p.Asn2879*). To our knowledge, this variant has not been reported in the literature or in a large population database, indicating this variant is rare. Frameshift variants in ATM are expected to be pathogenic, and this variant has been classified as pathogenic in ClinVar. This variant is interpreted as pathogenic.

Ambry Genetics
Classification: Pathogenic for Hereditary cancer-predisposing syndrome. Last evaluated: 2021-01-21. Review status: criteria provided, single submitter. Criteria: Ambry Variant Classification Scheme 2023. Collection method: clinical testing. Allele origin: germline.
Comment: The c.8635_8636delAA pathogenic mutation, located in coding exon 58 of the ATM gene, results from a deletion of two nucleotides at nucleotide positions 8635 to 8636, causing a translational frameshift with a predicted alternate stop codon (p.N2879*). This alteration is expected to result in loss of function by premature protein truncation or nonsense-mediated mRNA decay. As such, this alteration is interpreted as a disease-causing mutation.